The following is an entry in ClinVar:

NM_005591.4(MRE11):c.1448G>A (p.Arg483Gln)

Gene: MRE11 (MRE11 double strand break repair nuclease; minus strand). Cytogenetic location: 11q21.
Variant type: single nucleotide variant.
Coding change: c.1448G>A on transcript NM_005591.4 (MANE Select); coding-DNA position 1448, G replaced by A.
Protein change: p.Arg483Gln; replaces arginine 483 with glutamine.
Molecular consequence: missense variant.
Genome position (GRCh38, 1-based): chr11:94,459,460, C>T on the plus strand (G>A on the coding strand, the complement: MRE11 is on the minus strand). VCF-style: chr11-94459460-C-T. GRCh37 (hg19) VCF-style: chr11-94192626-C-T.
Other names: c.1448G>A, p.Arg483Gln (NM_001330347.2, NM_005590.4); short protein forms R483Q.
Identifiers: ClinVar variation 140929 (VCV000140929.9), dbSNP rs587781378, ClinGen allele CA163950.

ClinVar aggregate classification (germline): Uncertain significance. Review status: criteria provided, multiple submitters, no conflicts (2 of 4 stars). 2 submissions from 2 submitters: Uncertain significance (2). Last evaluated 2022-09-25.

Conditions:
Ataxia-telangiectasia-like disorder (ATLD). Identifiers: MedGen C1858391, MONDO:0011457.
Hereditary cancer-predisposing syndrome. Also called: Neoplastic Syndromes, Hereditary; Tumor predisposition; Hereditary Cancer Syndrome; Hereditary neoplastic syndrome. Identifiers: Orphanet 140162, MedGen C0027672, MeSH D009386, MONDO:0015356.

Allele frequency attached by ClinVar (database versions not stated): gnomAD exomes below 0.00001; TOPMed below 0.00001; ExAC 0.00001; gnomAD 0.00001 and 0.00002.
gnomAD v4.1: 17 of 1,613,986 alleles (0.0011%); highest among the groups gnomAD compares: East Asian, 0.0045%; no homozygotes.

Submissions (2):

Ambry Genetics
Classification: Uncertain significance for Hereditary cancer-predisposing syndrome. Last evaluated: 2022-09-25. Review status: criteria provided, single submitter. Criteria: Ambry Variant Classification Scheme 2023. Collection method: clinical testing. Allele origin: germline.
Comment: The p.R483Q variant (also known as c.1448G>A), located in coding exon 12 of the MRE11A gene, results from a G to A substitution at nucleotide position 1448. The arginine at codon 483 is replaced by glutamine, an amino acid with highly similar properties. This amino acid position is well conserved in available vertebrate species. In addition, the in silico prediction for this alteration is inconclusive. Since supporting evidence is limited at this time, the clinical significance of this alteration remains unclear.

Labcorp Genetics (formerly Invitae), Labcorp
Classification: Uncertain significance for Ataxia-telangiectasia-like disorder. Last evaluated: 2022-01-27. Review status: criteria provided, single submitter. Criteria: Invitae Variant Classification Sherloc (09022015). Collection method: clinical testing. Allele origin: germline.
Comment: This sequence change replaces arginine, which is basic and polar, with glutamine, which is neutral and polar, at codon 483 of the MRE11 protein (p.Arg483Gln). This variant is present in population databases (rs587781378, gnomAD 0.0009%). This variant has not been reported in the literature in individuals affected with MRE11-related conditions. ClinVar contains an entry for this variant (Variation ID: 140929). Algorithms developed to predict the effect of missense changes on protein structure and function (SIFT, PolyPhen-2, Align-GVGD) all suggest that this variant is likely to be tolerated. In summary, the available evidence is currently insufficient to determine the role of this variant in disease. Therefore, it has been classified as a Variant of Uncertain Significance.